The following is an entry in ClinVar:

NM_018413.6(CHST11):c.670G>C (p.Ala224Pro)

Gene: CHST11 (carbohydrate sulfotransferase 11; plus strand). Cytogenetic location: 12q23.3.
Variant type: single nucleotide variant.
Coding change: c.670G>C on transcript NM_018413.6 (MANE Select); coding-DNA position 670, G replaced by C.
Protein change: p.Ala224Pro; replaces alanine 224 with proline.
Molecular consequence: missense variant.
Genome position (GRCh38, 1-based): chr12:104,757,414, G>C. VCF-style: chr12-104757414-G-C. GRCh37 (hg19) VCF-style: chr12-105151192-G-C.
Other names: c.655G>C, p.Ala219Pro (NM_001173982.2); c.670G>C (NM_018413.5); short protein forms A219P, A224P.
Identifiers: ClinVar variation 2643254 (VCV002643254.25), dbSNP rs148230565, ClinGen allele CA6756643.

ClinVar aggregate classification (germline): Conflicting classifications of pathogenicity. Review status: criteria provided, conflicting classifications (1 of 4 stars). 3 submissions from 3 submitters: Uncertain significance (1); Likely benign (1). 1 of the submissions does not count toward it. Last evaluated 2025-11-06.

Conditions:
CHST11-related disorder. Also called: CHST11-related condition.

Allele frequency attached by ClinVar (database versions not stated): 1000 Genomes Project 0.00140; 1000 Genomes Project 30x 0.00172; ExAC 0.00255; TOPMed 0.00266; gnomAD 0.00268; ESP Exome Variant Server 0.00331.
gnomAD v4.1: 5,982 of 1,613,938 alleles (0.37%); highest among the groups gnomAD compares: Non-Finnish European, 0.45%; 19 homozygotes.

Submissions (3):

Ambry Genetics
Classification: Uncertain significance. Last evaluated: 2025-11-06. Review status: criteria provided, single submitter. Criteria: Ambry Variant Classification Scheme 2023. Collection method: clinical testing. Allele origin: germline.

CeGaT Center for Human Genetics Tuebingen
Classification: Likely benign. Last evaluated: 2024-11-01. Review status: criteria provided, single submitter. Criteria: CeGaT Center For Human Genetics Tuebingen Variant Classification Criteria Version 2. Collection method: clinical testing. Allele origin: germline. Affected: yes. Observed: 2 variant alleles.
Comment: CHST11: BS2

PreventionGenetics, part of Exact Sciences
Classification: Likely benign for CHST11-related condition. Last evaluated: 2021-04-19. Review status: no assertion criteria provided. Collection method: clinical testing. Allele origin: germline. Not counted in ClinVar's aggregate classification.
Comment: This variant is classified as likely benign based on ACMG/AMP sequence variant interpretation guidelines (Richards et al. 2015 PMID: 25741868, with internal and published modifications).